The following is an entry in ClinVar:

NM_000400.4(ERCC2):c.1520A>G (p.Lys507Arg)

Gene: ERCC2 (ERCC excision repair 2, TFIIH core complex helicase subunit; minus strand). Cytogenetic location: 19q13.32.
Variant type: single nucleotide variant.
Coding change: c.1520A>G on transcript NM_000400.4 (MANE Select); coding-DNA position 1520, A replaced by G.
Protein change: p.Lys507Arg; replaces lysine 507 with arginine.
Molecular consequence: missense variant.
Genome position (GRCh38, 1-based): chr19:45,355,688, T>C on the plus strand (A>G on the coding strand, the complement: ERCC2 is on the minus strand). VCF-style: chr19-45355688-T-C. GRCh37 (hg19) VCF-style: chr19-45858946-T-C.
Other names: short protein forms K507R.
Identifiers: ClinVar variation 2452369 (VCV002452369.2), dbSNP rs2514008405, ClinGen allele CA406365836.

ClinVar aggregate classification (germline): Uncertain significance (1 of 4 stars; one submission).

Conditions:
Inborn genetic diseases. Identifiers: MedGen C0950123, MeSH D030342.

Allele frequency attached by ClinVar (database versions not stated): gnomAD exomes below 0.00001.

Submission:

Ambry Genetics
Classification: Uncertain significance for Inborn genetic diseases. Last evaluated: 2023-02-15. Review status: criteria provided, single submitter. Criteria: Ambry Variant Classification Scheme 2023. Collection method: clinical testing. Allele origin: germline.
Comment: The p.K507R variant (also known as c.1520A>G), located in coding exon 16 of the ERCC2 gene, results from an A to G substitution at nucleotide position 1520. The lysine at codon 507 is replaced by arginine, an amino acid with highly similar properties. This amino acid position is conserved. In addition, the in silico prediction for this alteration is inconclusive. Since supporting evidence is limited at this time, the clinical significance of this alteration remains unclear.